The following is an entry in ClinVar:

NM_015295.3(SMCHD1):c.4664T>C (p.Ile1555Thr)

Gene: SMCHD1 (structural maintenance of chromosomes flexible hinge domain containing 1; plus strand). Cytogenetic location: 18p11.32.
Variant type: single nucleotide variant.
Coding change: c.4664T>C on transcript NM_015295.3 (MANE Select); coding-DNA position 4664, T replaced by C.
Protein change: p.Ile1555Thr; replaces isoleucine 1555 with threonine.
Molecular consequence: missense variant.
Genome position (GRCh38, 1-based): chr18:2,763,734, T>C. VCF-style: chr18-2763734-T-C. GRCh37 (hg19) VCF-style: chr18-2763732-T-C.
Other names: c.4664T>C (NM_015295.2); short protein forms I1555T.
Identifiers: ClinVar variation 1929279 (VCV001929279.6), dbSNP rs957850303, ClinGen allele CA295482086.

ClinVar aggregate classification (germline): Uncertain significance. Review status: criteria provided, multiple submitters, no conflicts (2 of 4 stars). 2 submissions from 2 submitters: Uncertain significance (2). Last evaluated 2024-01-04.

Conditions:
Facioscapulohumeral muscular dystrophy 2 (FSHD2). Also called: FACIOSCAPULOHUMERAL MUSCULAR DYSTROPHY 2, DIGENIC; FSHD2, DIGENIC; MUSCULAR DYSTROPHY, FACIOSCAPULOHUMERAL, TYPE 1B. Identifiers: Orphanet 269, MedGen C1834671, MONDO:0008031, OMIM 158901.

Allele frequency attached by ClinVar (database versions not stated): gnomAD exomes below 0.00001; TOPMed below 0.00001.
gnomAD v4.1: 5 of 1,610,736 alleles (0.00031%); highest among the groups gnomAD compares: Non-Finnish European, 0.00042%; no homozygotes.

Submissions (2):

Labcorp Genetics (formerly Invitae), Labcorp
Classification: Uncertain significance for Facioscapulohumeral muscular dystrophy 2. Last evaluated: 2024-01-04. Review status: criteria provided, single submitter. Criteria: Invitae Variant Classification Sherloc (09022015). Collection method: clinical testing. Allele origin: germline.
Comment: This sequence change replaces isoleucine, which is neutral and non-polar, with threonine, which is neutral and polar, at codon 1555 of the SMCHD1 protein (p.Ile1555Thr). This variant is present in population databases (no rsID available, gnomAD 0.06%). This variant has not been reported in the literature in individuals affected with SMCHD1-related conditions. ClinVar contains an entry for this variant (Variation ID: 1929279). Advanced modeling of protein sequence and biophysical properties (such as structural, functional, and spatial information, amino acid conservation, physicochemical variation, residue mobility, and thermodynamic stability) performed at Invitae indicates that this missense variant is not expected to disrupt SMCHD1 protein function with a negative predictive value of 80%. In summary, the available evidence is currently insufficient to determine the role of this variant in disease. Therefore, it has been classified as a Variant of Uncertain Significance.

Women's Health and Genetics/Laboratory Corporation of America, LabCorp
Classification: Uncertain significance. Last evaluated: 2023-08-23. Review status: criteria provided, single submitter. Criteria: LabCorp Variant Classification Summary - May 2015. Collection method: clinical testing. Allele origin: germline.
Comment: Variant summary: SMCHD1 c.4664T>C (p.Ile1555Thr) results in a non-conservative amino acid change in the encoded protein sequence. Four of five in-silico tools predict a benign effect of the variant on protein function. The variant was absent in 244780 control chromosomes (gnomAD). The available data on variant occurrences in the general population are insufficient to allow any conclusion about variant significance. To our knowledge, no occurrence of c.4664T>C in individuals affected with Arrhinia With Choanal Atresia And Microphthalmia Syndrome and no experimental evidence demonstrating its impact on protein function have been reported. One ClinVar submitter has assessed the variant since 2014, and has classified the variant as uncertain significance. Based on the evidence outlined above, the variant was classified as uncertain significance.